The following is an entry in ClinVar:

NM_005431.2(XRCC2):c.-50G>A

Gene: XRCC2 (X-ray repair cross complementing 2; minus strand). Cytogenetic location: 7q36.1.
Variant type: single nucleotide variant.
Coding change: c.-50G>A on transcript NM_005431.2 (MANE Select); 50 bases upstream of the start codon, G replaced by A.
Molecular consequence: 5 prime UTR variant.
Genome position (GRCh38, 1-based): chr7:152,676,129, C>T on the plus strand (G>A on the coding strand, the complement: XRCC2 is on the minus strand). VCF-style: chr7-152676129-C-T. GRCh37 (hg19) VCF-style: chr7-152373214-C-T.
Identifiers: ClinVar variation 137933 (VCV000137933.1), dbSNP rs139350845, ClinGen allele CA291650.
Genomic context (GRCh38, chr7:152,676,129, plus strand): 5'-GCACTACACATCGCCCCGAAGGCTCGGCGCAGGAGAGACTCAACTTTCCCGCCACCAACG[C>T]CATTCACCAACTGCGCAGACTCTACGGCCAGTCAAACCCGCCCACCCGCGCGCGTGCGCA-3'

ClinVar aggregate classification (germline): Benign (1 of 4 stars; one submission).

Allele frequency attached by ClinVar (database versions not stated): gnomAD exomes 0.00016 and 0.00044; ExAC 0.00051; 1000 Genomes Project 0.00160; gnomAD 0.00169 and 0.00175; 1000 Genomes Project 30x 0.00172; TOPMed 0.00198; ESP Exome Variant Server 0.00284.
gnomAD v4.1: 499 of 1,612,874 alleles (0.031%); highest among the groups gnomAD compares: African/African-American, 0.58%; 5 homozygotes.

Submission:

GeneDx
Classification: Benign. Last evaluated: 2014-03-10. Review status: criteria provided, single submitter. Criteria: GeneDx Variant Classification (06012015). Collection method: clinical testing. Allele origin: germline. Affected: yes.
Comment: This variant is considered likely benign or benign based on one or more of the following criteria: it is a conservative change, it occurs at a poorly conserved position in the protein, it is predicted to be benign by multiple in silico algorithms, and/or has population frequency not consistent with disease.